The following is an entry in ClinVar:

NM_001009944.3(PKD1):c.12624T>A (p.Cys4208Ter)

Gene: PKD1 (polycystin 1, transient receptor potential channel interacting; minus strand). Cytogenetic location: 16p13.3.
Variant type: single nucleotide variant.
Coding change: c.12624T>A on transcript NM_001009944.3 (MANE Select); coding-DNA position 12624, T replaced by A.
Protein change: p.Cys4208Ter; replaces cysteine 4208 with a stop codon.
Molecular consequence: nonsense.
Genome position (GRCh38, 1-based): chr16:2,090,015, A>T on the plus strand (T>A on the coding strand, the complement: PKD1 is on the minus strand). VCF-style: chr16-2090015-A-T. GRCh37 (hg19) VCF-style: chr16-2140016-A-T.
Other names: c.12621T>A, p.Cys4207Ter (NM_000296.4); short protein forms C4207*, C4208*.
Identifiers: ClinVar variation 1723014 (VCV001723014.3), dbSNP rs2544578450, ClinGen allele CA394321620.
Genomic context (GRCh38, chr16:2,090,015, plus strand): 5'-TCGGTCAAACTGGGTGAGCAGGGCCTCGAACACGGCTTGGAGGCGGGAGGGCTCAGGCTC[A>T]CACCTTGTCCCCAGCCGGCCCAGGCTCACGCTCAGCCCATCCAGCTGGCTGGAGGAGGTG-3'

ClinVar aggregate classification (germline): Pathogenic/Likely pathogenic. Review status: criteria provided, multiple submitters, no conflicts (2 of 4 stars). 2 submissions from 2 submitters: Pathogenic (1); Likely pathogenic (1). Last evaluated 2024-06-13.

Conditions:
PKD1-related disorder. Also called: PKD1-related condition.

Submissions (2):

Blueprint Genetics
Classification: Pathogenic for PKD1-related disorders. Last evaluated: 2024-06-13. Review status: criteria provided, single submitter. Criteria: ACMG Guidelines, 2015. Collection method: clinical testing. Allele origin: germline. Affected: yes. Observed: 1 variant allele.

GeneDx
Classification: Likely pathogenic. Last evaluated: 2022-05-03. Review status: criteria provided, single submitter. Criteria: GeneDx Variant Classification Process June 2021. Collection method: clinical testing. Allele origin: germline. Affected: yes.
Comment: Nonsense variant in the C-terminus predicted to result in protein truncation, as the last 96 amino acids are lost, and other loss-of-function variants have been reported downstream in HGMD; Not observed at significant frequency in large population cohorts (gnomAD); This variant is associated with the following publications: (PMID: 22508176)